The following is an entry in ClinVar:

ClinVar aggregate classification (germline): Uncertain significance (1 of 4 stars; one submission).

Submission:

Ambry Genetics
Classification: Uncertain significance. Last evaluated: 2026-06-08. Review status: criteria provided, single submitter. Criteria: Ambry Variant Classification Scheme 2023. Collection method: clinical testing. Allele origin: germline.
Comment: The p.W287R variant (also known as c.859T>C), located in coding exon 4 of the GALNT12 gene, results from a T to C substitution at nucleotide position 859. The tryptophan at codon 287 is replaced by arginine, an amino acid with dissimilar properties. This amino acid position is conserved. In addition, this alteration is predicted to be deleterious by in silico analysis. Based on the available evidence, the clinical significance of this variant remains unclear.

NM_024642.5(GALNT12):c.859T>C (p.Trp287Arg)

Gene: GALNT12 (polypeptide N-acetylgalactosaminyltransferase 12; plus strand). Cytogenetic location: 9q22.33.
Variant type: single nucleotide variant.
Coding change: c.859T>C on transcript NM_024642.5 (MANE Select); coding-DNA position 859, T replaced by C.
Protein change: p.Trp287Arg; replaces tryptophan 287 with arginine.
Molecular consequence: missense variant.
Genome position (GRCh38, 1-based): chr9:98,831,899, T>C. VCF-style: chr9-98831899-T-C. GRCh37 (hg19) VCF-style: chr9-101594181-T-C.
Other names: short protein forms W287R.
Identifiers: ClinVar variation 4871654 (VCV004871654.1).